The following is an entry in ClinVar:

NM_001378452.1(ITPR1):c.4645C>A (p.Leu1549Met)

Gene: ITPR1 (inositol 1,4,5-trisphosphate receptor type 1; plus strand). Cytogenetic location: 3p26.1.
Variant type: single nucleotide variant.
Coding change: c.4645C>A on transcript NM_001378452.1 (MANE Select); coding-DNA position 4645, C replaced by A.
Protein change: p.Leu1549Met; replaces leucine 1549 with methionine.
Molecular consequence: missense variant.
Genome position (GRCh38, 1-based): chr3:4,702,938, C>A. VCF-style: chr3-4702938-C-A. GRCh37 (hg19) VCF-style: chr3-4744622-C-A.
Other names: c.4618C>A, p.Leu1540Met (NM_001099952.4); c.4600C>A, p.Leu1534Met (NM_001168272.2); c.4573C>A, p.Leu1525Met (NM_002222.7); short protein forms L1549M, L1534M, L1525M, L1540M.
Identifiers: ClinVar variation 2784664 (VCV002784664.3), dbSNP rs1441107977, ClinGen allele CA351634203.

ClinVar aggregate classification (germline): Uncertain significance (1 of 4 stars; one submission).

Allele frequency attached by ClinVar (database versions not stated): gnomAD 0.00001; TOPMed 0.00001.
gnomAD v4.1: 1 of 1,613,670 alleles (0.000062%); highest among the groups gnomAD compares: Admixed American, 0.0017%; no homozygotes.

Submission:

Labcorp Genetics (formerly Invitae), Labcorp
Classification: Uncertain significance. Last evaluated: 2023-03-04. Review status: criteria provided, single submitter. Criteria: Invitae Variant Classification Sherloc (09022015). Collection method: clinical testing. Allele origin: germline.
Comment: In summary, the available evidence is currently insufficient to determine the role of this variant in disease. Therefore, it has been classified as a Variant of Uncertain Significance. Advanced modeling of protein sequence and biophysical properties (such as structural, functional, and spatial information, amino acid conservation, physicochemical variation, residue mobility, and thermodynamic stability) has been performed at Invitae for this missense variant, however the output from this modeling did not meet the statistical confidence thresholds required to predict the impact of this variant on ITPR1 protein function. This variant has not been reported in the literature in individuals affected with ITPR1-related conditions. This variant is not present in population databases (gnomAD no frequency). This sequence change replaces leucine, which is neutral and non-polar, with methionine, which is neutral and non-polar, at codon 1525 of the ITPR1 protein (p.Leu1525Met).